The following is an entry in ClinVar:

NM_177438.3(DICER1):c.2605C>T (p.Pro869Ser)

Gene: DICER1 (dicer 1, ribonuclease III; minus strand). Cytogenetic location: 14q32.13.
Variant type: single nucleotide variant.
Coding change: c.2605C>T on transcript NM_177438.3 (MANE Select); coding-DNA position 2605, C replaced by T.
Protein change: p.Pro869Ser; replaces proline 869 with serine.
Molecular consequence: missense variant. On other transcripts: non-coding transcript variant (6).
Genome position (GRCh38, 1-based): chr14:95,107,925, G>A on the plus strand (C>T on the coding strand, the complement: DICER1 is on the minus strand). VCF-style: chr14-95107925-G-A. GRCh37 (hg19) VCF-style: chr14-95574262-G-A.
Other names: c.2605C>T, p.Pro869Ser (NM_001195573.1, NM_001291628.2, NM_001395677.1 and 13 more transcripts); c.2323C>T, p.Pro775Ser (NM_001395686.1); c.2200C>T, p.Pro734Ser (NM_001395687.1, NM_001395688.1, NM_001395689.1 and 2 more transcripts); c.2038C>T, p.Pro680Ser (NM_001395691.1); c.922C>T, p.Pro308Ser (NM_001395697.1); short protein forms P308S, P680S, P775S, P734S, P869S.
Identifiers: ClinVar variation 1793717 (VCV001793717.2), dbSNP rs2542838886, ClinGen allele CA390881389.

ClinVar aggregate classification (germline): Uncertain significance (1 of 4 stars; one submission).

Conditions:
Hereditary cancer-predisposing syndrome. Also called: Tumor predisposition; Hereditary Cancer Syndrome; Neoplastic Syndromes, Hereditary; Hereditary neoplastic syndrome. Identifiers: Orphanet 140162, MedGen C0027672, MeSH D009386, MONDO:0015356.

Submission:

Ambry Genetics
Classification: Uncertain significance for Hereditary cancer-predisposing syndrome. Last evaluated: 2022-10-28. Review status: criteria provided, single submitter. Criteria: Ambry Variant Classification Scheme 2023. Collection method: clinical testing. Allele origin: germline.
Comment: The p.P869S variant (also known as c.2605C>T), located in coding exon 15 of the DICER1 gene, results from a C to T substitution at nucleotide position 2605. The proline at codon 869 is replaced by serine, an amino acid with similar properties. This amino acid position is conserved. In addition, this alteration is predicted to be deleterious by in silico analysis. Since supporting evidence is limited at this time, the clinical significance of this alteration remains unclear.